The following is an entry in ClinVar:

NM_007194.4(CHEK2):c.1375+8T>A

Gene: CHEK2 (checkpoint kinase 2; minus strand). Cytogenetic location: 22q12.1.
Variant type: single nucleotide variant.
Coding change: c.1375+8T>A on transcript NM_007194.4 (MANE Select); 8 bases into the intron after coding-DNA position 1375, T replaced by A.
Molecular consequence: intron variant.
Genome position (GRCh38, 1-based): chr22:28,695,119, A>T on the plus strand (T>A on the coding strand, the complement: CHEK2 is on the minus strand). VCF-style: chr22-28695119-A-T. GRCh37 (hg19) VCF-style: chr22-29091107-A-T.
Other names: c.712+8T>A (NM_001437942.1, NM_001257387.3); c.1174+8T>A (NM_001349956.3); c.1288+8T>A (NM_145862.3); c.1381+8T>A (NM_001438295.1); c.1468+8T>A (NM_001438293.1); c.1417+8T>A (NM_001438294.1); c.1504+8T>A (NM_001005735.3).
Identifiers: ClinVar variation 386147 (VCV000386147.1), dbSNP rs1057522436, ClinGen allele CA16608632.
Genomic context (GRCh38, chr22:28,695,119, plus strand): 5'-AGAAACTCCCACCACAGCACATACACATTTTAGCATACCACAAATTCTTAACCCTTTCAT[A>T]TTCATACCTTTCTCTGAGACTTCTGCCCAGACTTCAGGAATGAAGTTGTATTTTCCACTG-3'

ClinVar aggregate classification (germline): Likely benign (1 of 4 stars; one submission).

Allele frequency attached by ClinVar (database versions not stated): gnomAD exomes below 0.00001.
gnomAD v4.1: 2 of 1,561,656 alleles (0.00013%); highest among the groups gnomAD compares: Non-Finnish European, 0.000088%; no homozygotes.

Submission:

GeneDx
Classification: Likely benign. Last evaluated: 2016-05-11. Review status: criteria provided, single submitter. Criteria: GeneDx Variant Classification (06012015). Collection method: clinical testing. Allele origin: germline. Affected: yes.
Comment: This variant is considered likely benign or benign based on one or more of the following criteria: it is a conservative change, it occurs at a poorly conserved position in the protein, it is predicted to be benign by multiple in silico algorithms, and/or has population frequency not consistent with disease.